The following is an entry in ClinVar:

ClinVar aggregate classification (germline): Uncertain significance (1 of 4 stars; one submission).

Conditions:
Charcot-Marie-Tooth Neuropathy X. Identifiers: MedGen CN118851.
Combined oxidative phosphorylation deficiency. Identifiers: MedGen C4540031, MONDO:0000732.

gnomAD v4.1: 1 of 1,209,944 alleles (0.000083%); highest among the groups gnomAD compares: African/African-American, 0.0017%; no homozygotes.

Submission:

Labcorp Genetics (formerly Invitae), Labcorp
Classification: Uncertain significance for Charcot-Marie-Tooth Neuropathy X; Combined oxidative phosphorylation deficiency. Last evaluated: 2024-12-19. Review status: criteria provided, single submitter. Criteria: Invitae Variant Classification Sherloc (09022015). Collection method: clinical testing. Allele origin: germline.
Comment: This sequence change replaces arginine, which is basic and polar, with leucine, which is neutral and non-polar, at codon 529 of the AIFM1 protein (p.Arg529Leu). This variant is not present in population databases (gnomAD no frequency). This variant has not been reported in the literature in individuals affected with AIFM1-related conditions. ClinVar contains an entry for this variant (Variation ID: 2049408). Invitae Evidence Modeling of protein sequence and biophysical properties (such as structural, functional, and spatial information, amino acid conservation, physicochemical variation, residue mobility, and thermodynamic stability) indicates that this missense variant is expected to disrupt AIFM1 protein function with a positive predictive value of 80%. In summary, the available evidence is currently insufficient to determine the role of this variant in disease. Therefore, it has been classified as a Variant of Uncertain Significance.

NM_004208.4(AIFM1):c.1586G>T (p.Arg529Leu)

Genes: AIFM1 (apoptosis inducing factor mitochondria associated 1; minus strand), RAB33A (RAB33A, member RAS oncogene family; plus strand). Cytogenetic location: Xq26.1.
Variant type: single nucleotide variant.
Coding change: c.1586G>T on transcript NM_004208.4 (MANE Select); coding-DNA position 1586, G replaced by T.
Protein change: p.Arg529Leu; replaces arginine 529 with leucine.
Molecular consequence: missense variant. On other transcripts: 3 prime UTR variant (1), non-coding transcript variant (1).
Genome position (GRCh38, 1-based): chrX:130,130,154, C>A on the plus strand (G>T on the coding strand, the complement: AIFM1 is on the minus strand). VCF-style: chrX-130130154-C-A. GRCh37 (hg19) VCF-style: chrX-129264129-C-A.
Other names: c.569G>T, p.Arg190Leu (NM_001130846.4); c.*814G>T (NM_001130847.4); c.1574G>T, p.Arg525Leu (NM_145812.3); short protein forms R190L, R529L, R525L.
Identifiers: ClinVar variation 2049408 (VCV002049408.4), dbSNP rs1227079178, ClinGen allele CA414569822.